The following is an entry in ClinVar:

NM_178314.5(RILPL1):c.1068-3023_1068-3020del

Gene: RILPL1 (Rab interacting lysosomal protein like 1; minus strand). Cytogenetic location: 12q24.31.
Variant type: Deletion.
Coding change: c.1068-3023_1068-3020del on transcript NM_178314.5 (MANE Select); 3023 bases into the intron before coding-DNA position 1068 through 3020 bases into the intron before coding-DNA position 1068, 4 bases deleted (AGAT; older notation c.1068-3023_1068-3020delAGAT).
Molecular consequence: intron variant. On other transcripts: frameshift variant (1).
Genome position (GRCh38, 1-based): chr12:123,475,702-123,475,705, ATCT deleted on the plus strand (AGAT on the coding strand, the reverse complement: RILPL1 is on the minus strand); deleting any 4 consecutive bases within chr12:123,475,702-123,475,707 gives the same sequence; the c. name uses the placement nearest the transcript's 3' end. VCF-style (leftmost placement, unchanged base first): chr12-123475701-CATCT-C. GRCh37 (hg19) VCF-style: chr12-123960248-CATCT-C.
Other names: c.1113_1116del, p.Ile371fs (NM_001319243.2); c.615-3023_615-3020del (NM_001319302.2, NM_001319244.2); short protein forms I371fs.
Identifiers: ClinVar variation 2643512 (VCV002643512.24), dbSNP rs2547743942, ClinGen allele CA2695199186.

ClinVar aggregate classification (germline): Uncertain significance (1 of 4 stars; one submission).

Submission:

CeGaT Center for Human Genetics Tuebingen
Classification: Uncertain significance. Last evaluated: 2023-05-01. Review status: criteria provided, single submitter. Criteria: CeGaT Center For Human Genetics Tuebingen Variant Classification Criteria Version 2. Collection method: clinical testing. Allele origin: germline. Affected: yes. Observed: 1 variant allele.
Comment: RILPL1: PM2